The following is an entry in ClinVar:

NM_006767.4(LZTR1):c.2297T>C (p.Met766Thr)

Gene: LZTR1 (leucine zipper like post translational regulator 1; plus strand). Cytogenetic location: 22q11.21.
Variant type: single nucleotide variant.
Coding change: c.2297T>C on transcript NM_006767.4 (MANE Select); coding-DNA position 2297, T replaced by C.
Protein change: p.Met766Thr; replaces methionine 766 with threonine.
Molecular consequence: missense variant.
Genome position (GRCh38, 1-based): chr22:20,996,773, T>C. VCF-style: chr22-20996773-T-C. GRCh37 (hg19) VCF-style: chr22-21351062-T-C.
Other names: short protein forms M766T.
Identifiers: ClinVar variation 4737557 (VCV004737557.1).
Genomic context (GRCh38, chr22:20,996,773, plus strand): 5'-CCTACTACTACGGCTTCTACAACAACCGGCTGCAGGCGTACTGCAAGCAGAACCTGGAGA[T>C]GAACGTGACGGTGCAGAACGTGCTGCAGGTAGCCCCCCAGCCCCGTGCACATGGCTGCAG-3'
Protein context (NP_006758.2, residues 756-776): LQAYCKQNLE[Met766Thr]NVTVQNVLQI

ClinVar aggregate classification (germline): Uncertain significance (1 of 4 stars; one submission).

Submission:

Labcorp Genetics (formerly Invitae), Labcorp
Classification: Uncertain significance. Last evaluated: 2025-12-01. Review status: criteria provided, single submitter. Criteria: Invitae Variant Classification Sherloc (09022015). Collection method: clinical testing. Allele origin: germline.
Comment: This sequence change replaces methionine, which is neutral and non-polar, with threonine, which is neutral and polar, at codon 766 of the LZTR1 protein (p.Met766Thr). This variant is not present in population databases (gnomAD no frequency). This variant has not been reported in the literature in individuals affected with LZTR1-related conditions. Invitae Evidence Modeling of protein sequence and biophysical properties (such as structural, functional, and spatial information, amino acid conservation, physicochemical variation, residue mobility, and thermodynamic stability) indicates that this missense variant is not expected to disrupt LZTR1 protein function with a negative predictive value of 80%. In summary, the available evidence is currently insufficient to determine the role of this variant in disease. Therefore, it has been classified as a Variant of Uncertain Significance.